The following is an entry in ClinVar:

ClinVar aggregate classification (germline): Uncertain significance (1 of 4 stars; one submission).

Submission:

Labcorp Genetics (formerly Invitae), Labcorp
Classification: Uncertain significance. Last evaluated: 2024-06-30. Review status: criteria provided, single submitter. Criteria: Invitae Variant Classification Sherloc (09022015). Collection method: clinical testing. Allele origin: germline.
Comment: This sequence change replaces proline, which is neutral and non-polar, with leucine, which is neutral and non-polar, at codon 1165 of the COL4A3 protein (p.Pro1165Leu). This variant is not present in population databases (gnomAD no frequency). This variant has not been reported in the literature in individuals affected with COL4A3-related conditions. Advanced modeling of protein sequence and biophysical properties (such as structural, functional, and spatial information, amino acid conservation, physicochemical variation, residue mobility, and thermodynamic stability) has been performed at Invitae for this missense variant, however the output from this modeling did not meet the statistical confidence thresholds required to predict the impact of this variant on COL4A3 protein function. In summary, the available evidence is currently insufficient to determine the role of this variant in disease. Therefore, it has been classified as a Variant of Uncertain Significance.

NM_000091.5(COL4A3):c.3494C>T (p.Pro1165Leu)

Genes: COL4A3 (collagen type IV alpha 3 chain; plus strand), MFF-DT (MFF divergent transcript; minus strand). Cytogenetic location: 2q36.3.
Variant type: single nucleotide variant.
Coding change: c.3494C>T on transcript NM_000091.5 (MANE Select); coding-DNA position 3494, C replaced by T.
Protein change: p.Pro1165Leu; replaces proline 1165 with leucine.
Molecular consequence: missense variant.
Genome position (GRCh38, 1-based): chr2:227,295,039, C>T. VCF-style: chr2-227295039-C-T. GRCh37 (hg19) VCF-style: chr2-228159755-C-T.
Other names: short protein forms P1165L.
Identifiers: ClinVar variation 3634133 (VCV003634133.2).
Genomic context (GRCh38, chr2:227,295,039, plus strand): 5'-CAGGATCTCCTGGACCAATGGGTATAAGAGGTGACCAAGGACGTGATGGAATTCCTGGTC[C>T]AGCCGGAGAAAAGGGAGAAACGGGTACAACTTGCTCATTATCTTTGATCCGTTAGTTTTA-3'
Protein context (NP_000082.2, residues 1155-1175): GDQGRDGIPG[Pro1165Leu]AGEKGETGLL